The following is an entry in ClinVar:

NM_017780.4(CHD7):c.5633_5641delinsGC (p.Asp1878fs)

Gene: CHD7 (chromodomain helicase DNA binding protein 7; plus strand). Cytogenetic location: 8q12.2.
Variant type: Indel.
Coding change: c.5633_5641delinsGC on transcript NM_017780.4 (MANE Select); coding-DNA positions 5633 to 5641, ATAAGGAAG replaced by GC.
Protein change: p.Asp1878fs; shifts the reading frame from aspartic acid 1878.
Molecular consequence: frameshift variant. On other transcripts: intron variant (1).
Genome position (GRCh38, 1-based): chr8:60,851,287-60,851,295, ATAAGGAAG replaced by GC. VCF-style: chr8-60851287-ATAAGGAAG-GC. GRCh37 (hg19) VCF-style: chr8-61763846-ATAAGGAAG-GC.
Other names: c.1717-10942_1717-10934delinsGC (NM_001316690.1); short protein forms D1878fs.
Identifiers: ClinVar variation 4868902 (VCV004868902.1).

ClinVar aggregate classification (germline): Pathogenic (1 of 4 stars; one submission).

Conditions:
Inborn genetic diseases. Identifiers: MedGen C0950123, MeSH D030342.

Submission:

Ambry Genetics
Classification: Pathogenic for Inborn genetic diseases. Last evaluated: 2026-04-21. Review status: criteria provided, single submitter. Criteria: Ambry Variant Classification Scheme 2023. Collection method: clinical testing. Allele origin: germline.
Comment: The c.5633_5641delATAAGGAAGinsGC (p.D1878Gfs*19) alteration, located in exon 28 (coding exon 27) of the CHD7 gene, consists of a deletion of 9 and insertion of 2 nucleotides causing a translational frameshift at position 5633 with a predicted alternate stop codon after 19 amino acids. This variant is expected to result in loss of function by premature protein truncation or nonsense-mediated mRNA decay. This variant was not reported in population-based cohorts in the Genome Aggregation Database (gnomAD). Based on the available evidence, this alteration is classified as pathogenic.